The following is an entry in ClinVar:

NM_004655.4(AXIN2):c.1668A>C (p.Lys556Asn)

Gene: AXIN2 (axin 2; minus strand). Cytogenetic location: 17q24.1.
Variant type: single nucleotide variant.
Coding change: c.1668A>C on transcript NM_004655.4 (MANE Select); coding-DNA position 1668, A replaced by C.
Protein change: p.Lys556Asn; replaces lysine 556 with asparagine.
Molecular consequence: missense variant.
Genome position (GRCh38, 1-based): chr17:65,537,368, T>G on the plus strand (A>C on the coding strand, the complement: AXIN2 is on the minus strand). VCF-style: chr17-65537368-T-G. GRCh37 (hg19) VCF-style: chr17-63533486-T-G.
Other names: c.1668A>C, p.Lys556Asn (NM_001363813.1); short protein forms K556N.
Identifiers: ClinVar variation 1777602 (VCV001777602.2), dbSNP rs913389540, ClinGen allele CA400676879.

ClinVar aggregate classification (germline): Uncertain significance (1 of 4 stars; one submission).

Conditions:
Hereditary cancer-predisposing syndrome. Also called: Neoplastic Syndromes, Hereditary; Tumor predisposition; Hereditary Cancer Syndrome; Hereditary neoplastic syndrome. Identifiers: Orphanet 140162, MedGen C0027672, MeSH D009386, MONDO:0015356.

Allele frequency attached by ClinVar (database versions not stated): gnomAD exomes below 0.00001.
gnomAD v4.1: 1 of 1,614,016 alleles (0.000062%); highest among the groups gnomAD compares: Non-Finnish European, 0.000085%; no homozygotes.

Submission:

Ambry Genetics
Classification: Uncertain significance for Hereditary cancer-predisposing syndrome. Last evaluated: 2021-12-11. Review status: criteria provided, single submitter. Criteria: Ambry Variant Classification Scheme 2023. Collection method: clinical testing. Allele origin: germline.
Comment: The p.K556N variant (also known as c.1668A>C), located in coding exon 5 of the AXIN2 gene, results from an A to C substitution at nucleotide position 1668. The lysine at codon 556 is replaced by asparagine, an amino acid with similar properties. This amino acid position is conserved. In addition, this alteration is predicted to be tolerated by in silico analysis. Since supporting evidence is limited at this time, the clinical significance of this alteration remains unclear.